The following is an entry in ClinVar:

ClinVar aggregate classification (germline): Uncertain significance (1 of 4 stars; one submission).

Conditions:
PCNT-related disorder. Also called: PCNT-related condition.

gnomAD v4.1: 2 of 1,610,972 alleles (0.00012%); highest among the groups gnomAD compares: Non-Finnish European, 0.00017%; no homozygotes.

Submission:

PreventionGenetics, part of Exact Sciences
Classification: Uncertain significance for PCNT-related condition. Last evaluated: 2026-03-13. Review status: criteria provided, single submitter. Criteria: ACMG Guidelines, 2015. Collection method: clinical testing. Allele origin: germline.
Comment: The PCNT c.2143G>A variant is predicted to result in the amino acid substitution p.Asp715Asn. To our knowledge, this variant has not been reported in the literature or in a large population database (gnomAD), indicating this variant is rare. At this time, the clinical significance of this variant is uncertain due to the absence of conclusive functional and genetic evidence.

NM_006031.6(PCNT):c.2143G>A (p.Asp715Asn)

Gene: PCNT (pericentrin; plus strand). Cytogenetic location: 21q22.3.
Variant type: single nucleotide variant.
Coding change: c.2143G>A on transcript NM_006031.6 (MANE Select); coding-DNA position 2143, G replaced by A.
Protein change: p.Asp715Asn; replaces aspartic acid 715 with asparagine.
Molecular consequence: missense variant.
Genome position (GRCh38, 1-based): chr21:46,357,180, G>A. VCF-style: chr21-46357180-G-A. GRCh37 (hg19) VCF-style: chr21-47777095-G-A.
Other names: c.1789G>A, p.Asp597Asn (NM_001315529.2); short protein forms D715N, D597N.
Identifiers: ClinVar variation 5001329 (VCV005001329.1).
Genomic context (GRCh38, chr21:46,357,180, plus strand): 5'-CTAAAAATAGAAAATAGAAATTTGTATGGGAAGTTGCAGCATGAAACTCGTCTGAAGGAC[G>A]ATTTGGAGAAGGTGAGTCGTGACTCCACAGCCCAGCGCCTCCCGCCCGAGTCCTTGCTCT-3'
Protein context (NP_006022.3, residues 705-725): KLQHETRLKD[Asp715Asn]LEKVKHNLIE